The following is an entry in ClinVar:

NM_000202.8(IDS):c.929A>C (p.Gln310Pro)

Genes: IDS (iduronate 2-sulfatase; minus strand), LOC106050102 (IDS recombination region; plus strand). Cytogenetic location: Xq28.
Variant type: single nucleotide variant.
Coding change: c.929A>C on transcript NM_000202.8 (MANE Select); coding-DNA position 929, A replaced by C.
Protein change: p.Gln310Pro; replaces glutamine 310 with proline.
Molecular consequence: missense variant. On other transcripts: non-coding transcript variant (1).
Genome position (GRCh38, 1-based): chrX:149,490,391, T>G on the plus strand (A>C on the coding strand, the complement: IDS is on the minus strand). VCF-style: chrX-149490391-T-G. GRCh37 (hg19) VCF-style: chrX-148571922-T-G.
Other names: c.659A>C, p.Gln220Pro (NM_001166550.4); c.929A>C, p.Gln310Pro (NM_006123.5); short protein forms Q220P, Q310P.
Identifiers: ClinVar variation 3255884 (VCV003255884.2).

ClinVar aggregate classification (germline): Likely pathogenic (1 of 4 stars; one submission).

Conditions:
Mucopolysaccharidosis, MPS-II (MPS2). Also called: Hunter Syndrome; IDURONATE 2-SULFATASE DEFICIENCY; Mucopolysaccharidosis Type II; Mucopolysaccharidosis type 2; Attenuated MPS (subtype; formerly known as mild MPS II); Severe MPS II. Identifiers: Orphanet 580, Orphanet 79388, MedGen C0026705, MONDO:0010674, OMIM 309900.

Submission:

Laboratory of Diagnosis and Therapy of Lysosomal Disorders, University of Padova
Classification: Likely pathogenic for Mucopolysaccharidosis, MPS-II. Last evaluated: 2024-06-07. Review status: criteria provided, single submitter. Criteria: ACMG Guidelines, 2015. Collection method: literature only. Allele origin: germline. Affected: yes. Observed: 1 variant allele.
Comment: Absent from controls (or at low frequency) in gnomAD database (PM2_Moderate), Missense variant in a gene with a low rate of benign missense variation (PP2_Supporting), Multiple lines of computational evidence support a deleterious effect (PP3_Supporting), Patient’s phenotype or family history highly specific for the disease (PP4_Strong)

Classification method: ACMG Guidelines [PMID:25741868] with modifications

Literature cited by the submitters: PubMed 27246110.